The following is an entry in ClinVar:

NM_002439.5(MSH3):c.2972A>G (p.Tyr991Cys)

Gene: MSH3 (mutS homolog 3; plus strand). Cytogenetic location: 5q14.1.
Variant type: single nucleotide variant.
Coding change: c.2972A>G on transcript NM_002439.5 (MANE Select); coding-DNA position 2972, A replaced by G.
Protein change: p.Tyr991Cys; replaces tyrosine 991 with cysteine.
Molecular consequence: missense variant.
Genome position (GRCh38, 1-based): chr5:80,854,288, A>G. VCF-style: chr5-80854288-A-G. GRCh37 (hg19) VCF-style: chr5-80150107-A-G.
Other names: short protein forms Y991C.
Identifiers: ClinVar variation 837592 (VCV000837592.14), dbSNP rs766742870, ClinGen allele CA3328404.

ClinVar aggregate classification (germline): Uncertain significance. Review status: criteria provided, multiple submitters, no conflicts (2 of 4 stars). 5 submissions from 5 submitters: Uncertain significance (5). Last evaluated 2025-07-25.

Conditions:
Hereditary cancer-predisposing syndrome. Also called: Neoplastic Syndromes, Hereditary; Tumor predisposition; Hereditary neoplastic syndrome; Hereditary Cancer Syndrome. Identifiers: Orphanet 140162, MedGen C0027672, MeSH D009386, MONDO:0015356.
Endometrial carcinoma. Also called: Endometrial carcinoma, somatic. Identifiers: MedGen C0476089, MONDO:0002447, OMIM 608089, HP:0012114.
Familial adenomatous polyposis 4 (FAP4). Also called: MSH3-related attenuated familial adenomatous polyposis. Identifiers: Orphanet 480536, MedGen C4310719, MONDO:0044300, OMIM 617100.

Allele frequency attached by ClinVar (database versions not stated): gnomAD exomes 0.00001 and 0.00002; ExAC 0.00002; TOPMed 0.00002.
gnomAD v4.1: 11 of 1,613,956 alleles (0.00068%); highest among the groups gnomAD compares: South Asian, 0.0044%; no homozygotes.

Submissions (5):

Ambry Genetics
Classification: Uncertain significance for Hereditary cancer-predisposing syndrome. Last evaluated: 2025-07-25. Review status: criteria provided, single submitter. Criteria: Ambry Variant Classification Scheme 2023. Collection method: clinical testing. Allele origin: germline.
Comment: The p.Y991C variant (also known as c.2972A>G), located in coding exon 21 of the MSH3 gene, results from an A to G substitution at nucleotide position 2972. The tyrosine at codon 991 is replaced by cysteine, an amino acid with highly dissimilar properties. This amino acid position is highly conserved in available vertebrate species. In addition, this alteration is predicted to be deleterious by in silico analysis. Based on the available evidence, the clinical significance of this variant remains unclear.

Labcorp Genetics (formerly Invitae), Labcorp
Classification: Uncertain significance. Last evaluated: 2024-09-30. Review status: criteria provided, single submitter. Criteria: Invitae Variant Classification Sherloc (09022015). Collection method: clinical testing. Allele origin: germline.
Comment: This sequence change replaces tyrosine, which is neutral and polar, with cysteine, which is neutral and slightly polar, at codon 991 of the MSH3 protein (p.Tyr991Cys). This variant is present in population databases (rs766742870, gnomAD 0.007%). This variant has not been reported in the literature in individuals affected with MSH3-related conditions. ClinVar contains an entry for this variant (Variation ID: 837592). An algorithm developed to predict the effect of missense changes on protein structure and function (PolyPhen-2) suggests that this variant is likely to be disruptive. In summary, the available evidence is currently insufficient to determine the role of this variant in disease. Therefore, it has been classified as a Variant of Uncertain Significance.

Genomic Medicine Center of Excellence, King Faisal Specialist Hospital and Research Centre
Classification: Uncertain significance for Familial adenomatous polyposis 4. Last evaluated: 2024-03-25. Review status: criteria provided, single submitter. Criteria: ACMG Guidelines, 2015. Collection method: research. Allele origin: germline.

GeneDx
Classification: Uncertain significance. Last evaluated: 2023-11-01. Review status: criteria provided, single submitter. Criteria: GeneDx Variant Classification Process June 2021. Collection method: clinical testing. Allele origin: germline. Affected: yes.
Comment: Not observed at significant frequency in large population cohorts (gnomAD); In silico analysis supports that this missense variant has a deleterious effect on protein structure/function; Has not been previously published as pathogenic or benign to our knowledge; This variant is associated with the following publications: (PMID: 28891274)

Baylor Genetics
Classification: Uncertain significance for Endometrial carcinoma. Last evaluated: 2023-09-29. Review status: criteria provided, single submitter. Criteria: ACMG Guidelines, 2015. Collection method: clinical testing. Allele origin: unknown.